The following is an entry in ClinVar:

NM_014362.4(HIBCH):c.219G>A (p.Lys73=)

Gene: HIBCH (3-hydroxyisobutyryl-CoA hydrolase; minus strand). Cytogenetic location: 2q32.2.
Variant type: single nucleotide variant.
Coding change: c.219G>A on transcript NM_014362.4 (MANE Select); coding-DNA position 219, G replaced by A.
Protein change: p.Lys73=; no amino-acid change (lysine 73 retained).
Molecular consequence: synonymous variant.
Genome position (GRCh38, 1-based): chr2:190,296,813, C>T on the plus strand (G>A on the coding strand, the complement: HIBCH is on the minus strand). VCF-style: chr2-190296813-C-T. GRCh37 (hg19) VCF-style: chr2-191161539-C-T.
Other names: c.219G>A, p.Lys73= (NM_198047.3).
Identifiers: ClinVar variation 2091909 (VCV002091909.2), dbSNP rs1273144971, ClinGen allele CA430324432.

ClinVar aggregate classification (germline): Uncertain significance (1 of 4 stars; one submission).

Conditions:
3-hydroxyisobutyryl-CoA hydrolase deficiency. Also called: Reduced circulating 3-hydroxyisobutyryl-CoA hydrolase activity; Deficiency of 3-hydroxyisobutyryl CoA hydrolase; HIBCH DEFICIENCY; METHACRYLIC ACID TOXICITY; METHACRYLIC ACIDURIA; VALINE METABOLIC DEFECT. Identifiers: Orphanet 88639, MedGen C0342738, MONDO:0009603, OMIM 250620, HP:6000215.

Submission:

Labcorp Genetics (formerly Invitae), Labcorp
Classification: Uncertain significance for 3-hydroxyisobutyryl-CoA hydrolase deficiency. Last evaluated: 2022-02-02. Review status: criteria provided, single submitter. Criteria: Invitae Variant Classification Sherloc (09022015). Collection method: clinical testing. Allele origin: germline.
Comment: In summary, the available evidence is currently insufficient to determine the role of this variant in disease. Therefore, it has been classified as a Variant of Uncertain Significance. Variants that disrupt the consensus splice site are a relatively common cause of aberrant splicing (PMID: 17576681, 9536098). Algorithms developed to predict the effect of sequence changes on RNA splicing suggest that this variant may disrupt the consensus splice site. This variant has not been reported in the literature in individuals affected with HIBCH-related conditions. This variant is not present in population databases (gnomAD no frequency). This sequence change affects codon 73 of the HIBCH mRNA. It is a 'silent' change, meaning that it does not change the encoded amino acid sequence of the HIBCH protein. This variant also falls at the last nucleotide of exon 3, which is part of the consensus splice site for this exon.

Literature cited by the submitters: PubMed 17576681; PubMed 9536098.